The following is an entry in ClinVar:

NM_000350.3(ABCA4):c.4773+48C>T

Genes: ABCA4 (ATP binding cassette subfamily A member 4; minus strand), LOC126805793 (CDK7 strongly-dependent group 2 enhancer GRCh37_chr1:94486302-94487501; plus strand). Cytogenetic location: 1p22.1.
Variant type: single nucleotide variant.
Coding change: c.4773+48C>T on transcript NM_000350.3 (MANE Select); 48 bases into the intron after coding-DNA position 4773, C replaced by T.
Molecular consequence: intron variant.
Genome position (GRCh38, 1-based): chr1:94,021,798, G>A on the plus strand (C>T on the coding strand, the complement: ABCA4 is on the minus strand). VCF-style: chr1-94021798-G-A. GRCh37 (hg19) VCF-style: chr1-94487354-G-A.
Identifiers: ClinVar variation 99319 (VCV000099319.22), dbSNP rs472908, ClinGen allele CA227237.
Genomic context (GRCh38, chr1:94,021,798, plus strand): 5'-ACAAGACGGTTTTAATTTTTTTTTCCTGTTATCACTCATGAGAGTTTCTCATTCATGGTA[G>A]TTAAGCAAGTCAAAAATCCTACTCAAATCTCCAGTCTGTTTACATACCCCGCTCACATTC-3'

ClinVar aggregate classification (germline): Benign. Review status: criteria provided, multiple submitters, no conflicts (2 of 4 stars). 10 submissions from 7 submitters: Benign (9). 1 of the submissions does not count toward it. Last evaluated 2022-09-13.

Conditions:
Age related macular degeneration 2. Also called: MACULAR DEGENERATION, SENILE; MACULOPATHY, AGE-RELATED, 2; MACULOPATHY, AGE-RELATED. Identifiers: MedGen C3495438, MONDO:0007932, OMIM 153800.
Cone-rod dystrophy 3 (CORD3). Identifiers: Orphanet 1872, MedGen C1858806, MONDO:0011395, OMIM 604116.
Severe early-childhood-onset retinal dystrophy (STGD1). Also called: MACULAR DYSTROPHY WITH FLECKS, TYPE 1; STGD; Stargardt disease 1; Stargardt macular dystrophy; Juvenile onset macular degeneration. Identifiers: Orphanet 364055, Orphanet 827, MedGen C1855465, MeSH D000080362, MONDO:0009549, OMIM 248200.
Retinitis pigmentosa 19 (RP19). Also called: ABCA4-Related Retinitis Pigmentosa. Identifiers: Orphanet 791, MedGen C1866422, MONDO:0011137, OMIM 601718.

Allele frequency attached by ClinVar (database versions not stated): ESP Exome Variant Server 0.63023; gnomAD exomes 0.57152 and 0.58431; gnomAD 0.62724 and 0.62063; ExAC 0.58192; TOPMed 0.62694; 1000 Genomes Project 0.58886; 1000 Genomes Project 30x 0.59244.
gnomAD v4.1: 925,736 of 1,606,414 alleles (58%); highest among the groups gnomAD compares: African/African-American, 75%; 269,572 homozygotes.

Submissions (10):

ARUP Laboratories, Molecular Genetics and Genomics, ARUP Laboratories
Classification: Benign. Last evaluated: 2022-09-13. Review status: criteria provided, single submitter. Criteria: ARUP Molecular Germline Variant Investigation Process 2021. Collection method: clinical testing. Allele origin: germline.

Genome-Nilou Lab
Classification: Benign for Severe early-childhood-onset retinal dystrophy. Last evaluated: 2021-07-14. Review status: criteria provided, single submitter. Criteria: ACMG Guidelines, 2015. Collection method: clinical testing. Allele origin: germline. Affected: no.

Genome-Nilou Lab
Classification: Benign for Retinitis pigmentosa 19. Last evaluated: 2021-07-14. Review status: criteria provided, single submitter. Criteria: ACMG Guidelines, 2015. Collection method: clinical testing. Allele origin: germline. Affected: no.

Genome-Nilou Lab
Classification: Benign for Cone-rod dystrophy 3. Last evaluated: 2021-07-14. Review status: criteria provided, single submitter. Criteria: ACMG Guidelines, 2015. Collection method: clinical testing. Allele origin: germline. Affected: no.

Genome-Nilou Lab
Classification: Benign for Age related macular degeneration 2. Last evaluated: 2021-07-14. Review status: criteria provided, single submitter. Criteria: ACMG Guidelines, 2015. Collection method: clinical testing. Allele origin: germline. Affected: no.

Eurofins Ntd Llc (ga)
Classification: Benign. Last evaluated: 2016-12-01. Review status: criteria provided, single submitter. Criteria: EGL Classification Definitions 2015. Collection method: clinical testing. Allele origin: germline. Observed: 10 variant alleles, 8 heterozygotes, 2 homozygotes.

GeneDx
Classification: Benign. Last evaluated: 2015-03-03. Review status: criteria provided, single submitter. Criteria: GeneDx Variant Classification Process June 2021. Collection method: clinical testing. Allele origin: germline. Affected: yes.
Comment: This variant is associated with the following publications: (PMID: 23953153, 27884173, 29555955)

Breakthrough Genomics
Classification: Benign. Review status: criteria provided, single submitter. Criteria: ACMG Guidelines, 2015. Collection method: not provided. Allele origin: germline. Inheritance: Autosomal recessive inheritance. Affected: yes.

PreventionGenetics, part of Exact Sciences
Classification: Benign. Review status: criteria provided, single submitter. Criteria: ACMG Guidelines, 2015. Collection method: clinical testing. Allele origin: germline.

Retina International
No classification provided. Review status: no classification provided. Collection method: not provided. Allele origin: unknown. Not counted in ClinVar's aggregate classification.